The following is an entry in ClinVar:

ClinVar aggregate classification (germline): Uncertain significance (1 of 4 stars; one submission).

Conditions:
Epilepsy, progressive myoclonic, 1B. Also called: PME. Identifiers: Orphanet 308, MedGen C2676254, MONDO:0012904, OMIM 612437.

Submission:

Labcorp Genetics (formerly Invitae), Labcorp
Classification: Uncertain significance for Epilepsy, progressive myoclonic, 1B. Last evaluated: 2022-01-02. Review status: criteria provided, single submitter. Criteria: Invitae Variant Classification Sherloc (09022015). Collection method: clinical testing. Allele origin: germline.
Comment: In summary, the available evidence is currently insufficient to determine the role of this variant in disease. Therefore, it has been classified as a Variant of Uncertain Significance. Algorithms developed to predict the effect of missense changes on protein structure and function are either unavailable or do not agree on the potential impact of this missense change (SIFT: "Deleterious"; PolyPhen-2: "Benign"; Align-GVGD: "Class C35"). This variant has not been reported in the literature in individuals affected with PRICKLE1-related conditions. This variant is not present in population databases (gnomAD no frequency). This sequence change replaces arginine, which is basic and polar, with serine, which is neutral and polar, at codon 677 of the PRICKLE1 protein (p.Arg677Ser).

NM_153026.3(PRICKLE1):c.2031A>T (p.Arg677Ser)

Gene: PRICKLE1 (prickle planar cell polarity protein 1; minus strand). Cytogenetic location: 12q12.
Variant type: single nucleotide variant.
Coding change: c.2031A>T on transcript NM_153026.3 (MANE Select); coding-DNA position 2031, A replaced by T.
Protein change: p.Arg677Ser; replaces arginine 677 with serine.
Molecular consequence: missense variant.
Genome position (GRCh38, 1-based): chr12:42,460,274, T>A on the plus strand (A>T on the coding strand, the complement: PRICKLE1 is on the minus strand). VCF-style: chr12-42460274-T-A. GRCh37 (hg19) VCF-style: chr12-42854076-T-A.
Other names: c.2031A>T, p.Arg677Ser (NM_001144881.2, NM_001144882.2, NM_001144883.2); short protein forms R677S.
Identifiers: ClinVar variation 2070816 (VCV002070816.4), dbSNP rs2503374220, ClinGen allele CA384440355.